The following is an entry in ClinVar:

ClinVar aggregate classification (germline): Uncertain significance (1 of 4 stars; one submission).

Conditions:
Compton-North congenital myopathy (CMYO12). Identifiers: Orphanet 210163, MedGen C2675527, MONDO:0012929, OMIM 612540.

Allele frequency attached by ClinVar (database versions not stated): gnomAD 0.00001; gnomAD exomes 0.00001; ExAC 0.00002; TOPMed 0.00002.
gnomAD v4.1: 13 of 1,612,080 alleles (0.00081%); highest among the groups gnomAD compares: Non-Finnish European, 0.0011%; no homozygotes.

Submission:

Labcorp Genetics (formerly Invitae), Labcorp
Classification: Uncertain significance for Compton-North congenital myopathy. Last evaluated: 2022-04-07. Review status: criteria provided, single submitter. Criteria: Invitae Variant Classification Sherloc (09022015). Collection method: clinical testing. Allele origin: germline.
Comment: In summary, the available evidence is currently insufficient to determine the role of this variant in disease. Therefore, it has been classified as a Variant of Uncertain Significance. Variants that disrupt the consensus splice site are a relatively common cause of aberrant splicing (PMID: 17576681, 9536098). Algorithms developed to predict the effect of sequence changes on RNA splicing suggest that this variant is not likely to affect RNA splicing. This variant has not been reported in the literature in individuals affected with CNTN1-related conditions. This variant is present in population databases (rs777345388, gnomAD 0.004%). This sequence change falls in intron 15 of the CNTN1 gene. It does not directly change the encoded amino acid sequence of the CNTN1 protein. It affects a nucleotide within the consensus splice site.

Literature cited by the submitters: PubMed 17576681; PubMed 9536098.

NM_001843.4(CNTN1):c.1804+5G>A

Gene: CNTN1 (contactin 1; plus strand). Cytogenetic location: 12q12.
Variant type: single nucleotide variant.
Coding change: c.1804+5G>A on transcript NM_001843.4 (MANE Select); 5 bases into the intron after coding-DNA position 1804, G replaced by A.
Molecular consequence: intron variant.
Genome position (GRCh38, 1-based): chr12:40,959,239, G>A. VCF-style: chr12-40959239-G-A. GRCh37 (hg19) VCF-style: chr12-41353041-G-A.
Other names: c.1804+5G>A (NM_001256063.2, NM_001256064.2); c.1771+5G>A (NM_175038.2).
Identifiers: ClinVar variation 1979127 (VCV001979127.2), dbSNP rs777345388, ClinGen allele CA6516935.